The following is an entry in ClinVar:

NM_000455.5(STK11):c.724G>T (p.Gly242Trp)

Gene: STK11 (serine/threonine kinase 11; plus strand). Cytogenetic location: 19p13.3.
Variant type: single nucleotide variant.
Coding change: c.724G>T on transcript NM_000455.5 (MANE Select); coding-DNA position 724, G replaced by T.
Protein change: p.Gly242Trp; replaces glycine 242 with tryptophan.
Molecular consequence: missense variant.
Genome position (GRCh38, 1-based): chr19:1,220,707, G>T. VCF-style: chr19-1220707-G-T. GRCh37 (hg19) VCF-style: chr19-1220706-G-T.
Other names: short protein forms G242W.
Identifiers: ClinVar variation 237805 (VCV000237805.8), dbSNP rs878853992, ClinGen allele CA10583788.

ClinVar aggregate classification (germline): Uncertain significance (1 of 4 stars; one submission).

Conditions:
Peutz-Jeghers syndrome (PJS). Also called: POLYPOSIS, HAMARTOMATOUS INTESTINAL; POLYPS-AND-SPOTS SYNDROME; Peutz-Jeghers polyposis; Periorificial lentiginosis syndrome. Identifiers: Orphanet 2869, MedGen C0031269, MeSH D010580, MONDO:0008280, OMIM 175200.

Submission:

Labcorp Genetics (formerly Invitae), Labcorp
Classification: Uncertain significance for Peutz-Jeghers syndrome. Last evaluated: 2016-02-08. Review status: criteria provided, single submitter. Criteria: Invitae Variant Classification Sherloc (09022015). Collection method: clinical testing. Allele origin: germline.
Comment: In summary, this is a novel missense change that has been reported in an individual affected with STK11-related disorders, different missense substitutions at this codon are reported in patients with STK11-related disorders, the change is located within the functionally conserved kinase domain, and is predicted to affect protein function. However, the evidence is insufficient at this time to prove that conclusively. It has been classified as a Variant of Uncertain Significance. Algorithms developed to predict the effect of missense changes on protein structure and function (SIFT, PolyPhen-2, Align-GVGD) all suggest that this variant is likely to be disruptive, but these predictions have not been confirmed by published functional studies. This missense change is located within a functionally conserved Kinase domain of the STK11 protein (PMID: 16707622 and 85% of previously reported STK11 missense and truncating mutations have been found within this domain (PMID: 16707622). These observations suggest that a novel missense substitution within this domain may affect protein function, but experiments have not been done to test this possibility. This variant has been reported in an individual affected with Peutz-Jeghers syndrome (PMID:11389158). Different missense substitutions at this codon (p.Gly242Glu) and (p.Gly242Val) are reported in individuals with STK11-related disorders (PMID:11389158,12865922,16707622). This indicates that the glycine residue is important for STK11 protein function. This variant is not present in population databases (ExAC no frequency). This sequence change replaces glycine with tryptophan at codon 242 of the STK11 protein (p.Gly242Trp). The glycine residue is highly conserved and there is a large physicochemical difference between glycine and tryptophan.

Literature cited by the submitters: PubMed 16707622; PubMed 85; PubMed 11; PubMed 11389158; PubMed 12865922.